The following is an entry in ClinVar:

NM_002473.6(MYH9):c.*2C>T

Gene: MYH9 (myosin heavy chain 9; minus strand). Cytogenetic location: 22q12.3.
Variant type: single nucleotide variant.
Coding change: c.*2C>T on transcript NM_002473.6 (MANE Select); 2 bases downstream of the stop codon, C replaced by T.
Molecular consequence: 3 prime UTR variant.
Genome position (GRCh38, 1-based): chr22:36,282,666, G>A on the plus strand (C>T on the coding strand, the complement: MYH9 is on the minus strand). VCF-style: chr22-36282666-G-A. GRCh37 (hg19) VCF-style: chr22-36678712-G-A.
Identifiers: ClinVar variation 3030443 (VCV003030443.2), dbSNP rs1328127655, ClinGen allele CA639148461.

ClinVar aggregate classification (germline): Likely benign (0 of 4 stars; one submission).

Conditions:
MYH9-related disorder. Identifiers: MedGen C1854520.

Submission:

PreventionGenetics, part of Exact Sciences
Classification: Likely benign for MYH9-related condition. Last evaluated: 2021-03-29. Review status: no assertion criteria provided. Collection method: clinical testing. Allele origin: germline.
Comment: This variant is classified as likely benign based on ACMG/AMP sequence variant interpretation guidelines (Richards et al. 2015 PMID: 25741868, with internal and published modifications).